The following is an entry in ClinVar:

NM_004213.5(SLC28A1):c.419_420insTGT (p.Leu140_Lys141insVal)

Gene: SLC28A1 (solute carrier family 28 member 1; plus strand). Cytogenetic location: 15q25.3.
Variant type: Insertion.
Coding change: c.419_420insTGT on transcript NM_004213.5 (MANE Select); coding-DNA positions 419 to 420, TGT inserted.
Protein change: p.Leu140_Lys141insVal.
Genome position: GRCh38 VCF-style: chr15-84895080-C-CTTG. GRCh37 (hg19) VCF-style: chr15-85438311-C-CTTG.
Other names: c.419_420insTGT, p.Leu140_Lys141insVal (NM_001287761.2, NM_001287762.2, NM_001321721.2 and 2 more transcripts).
Identifiers: ClinVar variation 3060075 (VCV003060075.2), dbSNP rs17215836, ClinGen allele CA7710330.

ClinVar aggregate classification (germline): Benign (0 of 4 stars; one submission).

Conditions:
SLC28A1-related disorder. Also called: SLC28A1-related condition.

Submission:

PreventionGenetics, part of Exact Sciences
Classification: Benign for SLC28A1-related condition. Last evaluated: 2019-10-30. Review status: no assertion criteria provided. Collection method: clinical testing. Allele origin: germline.
Comment: This variant is classified as benign based on ACMG/AMP sequence variant interpretation guidelines (Richards et al. 2015 PMID: 25741868, with internal and published modifications).